The following is an entry in ClinVar:

ClinVar aggregate classification (germline): Pathogenic/Likely pathogenic. Review status: criteria provided, multiple submitters, no conflicts (2 of 4 stars). 5 submissions from 5 submitters: Pathogenic (4); Likely pathogenic (1). Last evaluated 2025-08-21.

Conditions:
Vanishing white matter disease. Also called: CACH syndrome; Childhood ataxia with diffuse central nervous system hypomyelination; Leukoencephalopathy with vanishing white matter; CACH/VWM syndrome; Cree leukoencehalopathy. Identifiers: Orphanet 135, Orphanet 99853, MedGen C1858991, MONDO:0800448.

Allele frequency attached by ClinVar (database versions not stated): gnomAD exomes below 0.00001.
gnomAD v4.1: 3 of 1,614,002 alleles (0.00019%); highest among the groups gnomAD compares: East Asian, 0.0022%; no homozygotes.

Submissions (5):

Natera, Inc.
Classification: Pathogenic for Leukoencephalopathy with vanishing white matter. Last evaluated: 2025-08-21. Review status: criteria provided, single submitter. Criteria: Natera Variant Classification Schema (03/2026). Collection method: clinical testing. Allele origin: germline.
Comment: The c.1340C>T variant in EIF2B5 is a missense variant predicted to cause substitution of serine to leucine at amino acid 447. This variant is rare in the general population with a frequency below the threshold expected for the associated phenotype(s). This variant has been observed in one or more individuals affected with the associated recessive disease, as either homozygous or compound heterozygous with a second variant (PMID: 14566705, 19170749). Computational prediction algorithms indicate this variant is likely to affect gene or protein function. Given the available evidence, this variant is classified as Pathogenic.

GeneDx
Classification: Likely pathogenic. Last evaluated: 2025-04-16. Review status: criteria provided, single submitter. Criteria: GeneDx Variant Classification Process June 2021. Collection method: clinical testing. Allele origin: germline. Affected: yes.
Comment: Not observed at significant frequency in large population cohorts (gnomAD); In silico analysis supports that this missense variant has a deleterious effect on protein structure/function; This variant is associated with the following publications: (PMID: 30315562, 31438897, 16998732, 19170749, 19158808, 14566705, 34302356, 21307862, 25761052, 34745209)

Labcorp Genetics (formerly Invitae), Labcorp
Classification: Pathogenic. Last evaluated: 2023-12-21. Review status: criteria provided, single submitter. Criteria: Invitae Variant Classification Sherloc (09022015). Collection method: clinical testing. Allele origin: germline.
Comment: This sequence change replaces serine, which is neutral and polar, with leucine, which is neutral and non-polar, at codon 447 of the EIF2B5 protein (p.Ser447Leu). This variant is present in population databases (rs113994080, gnomAD 0.006%). This missense change has been observed in individual(s) with clinical features of leukoencephalopathy with vanishing white matter (PMID: 14566705, 19158808, 19170749). In at least one individual the data is consistent with being in trans (on the opposite chromosome) from a pathogenic variant. ClinVar contains an entry for this variant (Variation ID: 813359). Advanced modeling of protein sequence and biophysical properties (such as structural, functional, and spatial information, amino acid conservation, physicochemical variation, residue mobility, and thermodynamic stability) performed at Invitae indicates that this missense variant is not expected to disrupt EIF2B5 protein function with a negative predictive value of 80%. For these reasons, this variant has been classified as Pathogenic.

Baylor Genetics
Classification: Pathogenic for Leukoencephalopathy with vanishing white matter 1. Review status: criteria provided, single submitter. Criteria: ACMG Guidelines, 2015. Collection method: clinical testing. Allele origin: germline.

Kasturba Medical College, Manipal, Kasturba Medical College, Manipal, Manipal Academy of Higher Education, Manipal, India
Classification: Pathogenic for Leukoencephalopathy with vanishing white matter 1. Review status: criteria provided, single submitter. Criteria: ACMG Guidelines, 2015. Collection method: clinical testing. Allele origin: maternal. Inheritance: Autosomal recessive inheritance. Affected: yes.

Literature cited by the submitters: PubMed 14566705 (cited by Natera, Inc. and Labcorp Genetics (formerly Invitae), Labcorp); PubMed 19170749 (cited by Natera, Inc. and Labcorp Genetics (formerly Invitae), Labcorp); PubMed 19158808 (cited by Labcorp Genetics (formerly Invitae), Labcorp).

NM_003907.3(EIF2B5):c.1340C>T (p.Ser447Leu)

Gene: EIF2B5 (eukaryotic translation initiation factor 2B subunit epsilon; plus strand). Cytogenetic location: 3q27.1.
Variant type: single nucleotide variant.
Coding change: c.1340C>T on transcript NM_003907.3 (MANE Select); coding-DNA position 1340, C replaced by T.
Protein change: p.Ser447Leu; replaces serine 447 with leucine.
Molecular consequence: missense variant.
Genome position (GRCh38, 1-based): chr3:184,142,274, C>T. VCF-style: chr3-184142274-C-T. GRCh37 (hg19) VCF-style: chr3-183860062-C-T.
Other names: short protein forms S447L.
Identifiers: ClinVar variation 813359 (VCV000813359.19), dbSNP rs113994080, ClinGen allele CA88843451.
Genomic context (GRCh38, chr3:184,142,274, plus strand): 5'-TTCTGTGTTTTTTTTCCCCTTAGGTGGTCGTGGGCCCAAATATCACGCTGCCTGAGGGCT[C>T]GGTGATCTCTTTGCACCCTCCAGATGCAGAGGAAGATGAAGATGATGGCGAGTTCAGTGA-3'
Protein context (NP_003898.2, residues 437-457): VGPNITLPEG[Ser447Leu]VISLHPPDAE